The following continues an entry in ClinVar:

NM_000492.4(CFTR):c.2012del (p.Ser670_Leu671insTer)

Gene: CFTR. ClinVar aggregate classification (germline): Pathogenic. Pathogenic (1).

Submissions 13 to 20 of 20:

Myriad Genetics, Inc.
Classification: Pathogenic for Cystic fibrosis. Last evaluated: 2019-12-09. Review status: criteria provided, single submitter. Criteria: Myriad Women's Health Autosomal Recessive and X-Linked Classification Criteria (2019). Collection method: clinical testing. Allele origin: unknown. Not counted in ClinVar's aggregate classification.
Comment: NM_000492.3(CFTR):c.2012delT(L671*, aka 2143delT) is classified as pathogenic in the context of cystic fibrosis and is associated with the classic form of disease. Sources cited for classification include the following: PMID 23974870. Classification of NM_000492.3(CFTR):c.2012delT(L671*, aka 2143delT) is based on the following criteria: The variant causes a premature termination codon that is expected to be targeted by nonsense-mediated mRNA decay and is reported in individuals with the relevant phenotype. Please note: this variant was assessed in the context of healthy population screening.

Mendelics
Classification: Pathogenic for Cystic fibrosis. Last evaluated: 2018-11-05. Review status: criteria provided, single submitter. Criteria: Mendelics Assertion Criteria 2017. Collection method: clinical testing. Allele origin: unknown. Affected: yes. Not counted in ClinVar's aggregate classification.

CFTR-France
Classification: Pathogenic for cystic fibrosis. Last evaluated: 2018-01-29. Review status: criteria provided, single submitter. Criteria: Claustres M et al. (Hum Mutat 2017). Collection method: curation. Allele origin: germline. Affected: yes. Not counted in ClinVar's aggregate classification.

Baylor Genetics
Classification: Pathogenic for Congenital bilateral aplasia of vas deferens from CFTR mutation; Cystic fibrosis. Review status: criteria provided, single submitter. Criteria: ACMG Guidelines, 2015. Collection method: clinical testing. Allele origin: germline. Not counted in ClinVar's aggregate classification.

Women's Health and Genetics/Laboratory Corporation of America, LabCorp
Classification: Pathogenic for Cystic Fibrosis. Last evaluated: 2015-04-03. Review status: no assertion criteria provided. Collection method: clinical testing. Allele origin: germline. Not counted in ClinVar's aggregate classification.

Clinical Genetics DNA and cytogenetics Diagnostics Lab, Erasmus MC, Erasmus Medical Center
Classification: Pathogenic. Review status: no assertion criteria provided. Collection method: clinical testing. Allele origin: germline. Affected: yes. Study: VKGL Data-share Consensus. Not counted in ClinVar's aggregate classification.

Diagnostic Laboratory, Department of Genetics, University Medical Center Groningen
Classification: Pathogenic. Review status: no assertion criteria provided. Collection method: clinical testing. Allele origin: germline. Affected: yes. Study: VKGL Data-share Consensus. Not counted in ClinVar's aggregate classification.

Joint Genome Diagnostic Labs from Nijmegen and Maastricht, Radboudumc and MUMC+
Classification: Pathogenic. Review status: no assertion criteria provided. Collection method: clinical testing. Allele origin: germline. Affected: yes. Study: VKGL Data-share Consensus. Not counted in ClinVar's aggregate classification.

Literature cited by the submitters: PubMed 1695717 (cited by Labcorp Genetics (formerly Invitae), Labcorp); PubMed 7691345 (cited by Labcorp Genetics (formerly Invitae), Labcorp); PubMed 9725922 (cited by Labcorp Genetics (formerly Invitae), Labcorp); PubMed 1283149 (cited by 3 submitters); PubMed 20659818 (cited by Labcorp Genetics (formerly Invitae), Labcorp and Quest Diagnostics Nichols Institute San Juan Capistrano); PubMed 22658665 (cited by Labcorp Genetics (formerly Invitae), Labcorp and Quest Diagnostics Nichols Institute San Juan Capistrano); PubMed 23276700 (cited by Labcorp Genetics (formerly Invitae), Labcorp and Quest Diagnostics Nichols Institute San Juan Capistrano); PubMed 23974870 (cited by 3 submitters); PubMed 24586523 (cited by Labcorp Genetics (formerly Invitae), Labcorp); PubMed 18456578 (cited by Quest Diagnostics Nichols Institute San Juan Capistrano); PubMed 38003474 (cited by Quest Diagnostics Nichols Institute San Juan Capistrano); PubMed 32429104 (cited by Quest Diagnostics Nichols Institute San Juan Capistrano); PubMed 22892530 (cited by Natera, Inc.).